The following is an entry in ClinVar:

NM_000492.4(CFTR):c.2935G>T (p.Asp979Tyr)

Genes: CFTR (CF transmembrane conductance regulator; plus strand), CFTR-AS2 (CFTR antisense RNA 2; minus strand). Cytogenetic location: 7q31.2.
Variant type: single nucleotide variant.
Coding change: c.2935G>T on transcript NM_000492.4 (MANE Select); coding-DNA position 2935, G replaced by T.
Protein change: p.Asp979Tyr; replaces aspartic acid 979 with tyrosine.
Molecular consequence: missense variant.
Genome position (GRCh38, 1-based): chr7:117,606,700, G>T. VCF-style: chr7-117606700-G-T. GRCh37 (hg19) VCF-style: chr7-117246754-G-T.
Other names: short protein forms D979Y.
Identifiers: ClinVar variation 2104419 (VCV002104419.4), dbSNP rs2485125356, ClinGen allele CA368989036.

ClinVar aggregate classification (germline): Uncertain significance (1 of 4 stars; one submission).

Conditions:
Cystic fibrosis (CF). Also called: MUCOVISCIDOSIS. Identifiers: Orphanet 586, MedGen C0010674, MONDO:0009061, OMIM 219700. Disease mechanism: loss of function.

Submission:

Labcorp Genetics (formerly Invitae), Labcorp
Classification: Uncertain significance for Cystic fibrosis. Last evaluated: 2022-09-12. Review status: criteria provided, single submitter. Criteria: Invitae Variant Classification Sherloc (09022015). Collection method: clinical testing. Allele origin: germline.
Comment: Advanced modeling of protein sequence and biophysical properties (such as structural, functional, and spatial information, amino acid conservation, physicochemical variation, residue mobility, and thermodynamic stability) performed at Invitae indicates that this missense variant is expected to disrupt CFTR protein function. This variant disrupts the p.Asp979 amino acid residue in CFTR. Other variant(s) that disrupt this residue have been determined to be pathogenic (PMID: 9272157, 9493456, 10376575, 11118444). This suggests that this residue is clinically significant, and that variants that disrupt this residue are likely to be disease-causing. In summary, the available evidence is currently insufficient to determine the role of this variant in disease. Therefore, it has been classified as a Variant of Uncertain Significance. This variant has not been reported in the literature in individuals affected with CFTR-related conditions. This sequence change replaces aspartic acid, which is acidic and polar, with tyrosine, which is neutral and polar, at codon 979 of the CFTR protein (p.Asp979Tyr). This variant is not present in population databases (gnomAD no frequency).

Literature cited by the submitters: PubMed 9272157; PubMed 9493456; PubMed 10376575; PubMed 11118444.